The following is an entry in ClinVar:

ClinVar aggregate classification (germline): Uncertain significance (1 of 4 stars; one submission).

Conditions:
Purine-nucleoside phosphorylase deficiency. Also called: NUCLEOSIDE PHOSPHORYLASE DEFICIENCY; Immunodeficiency due to purine nucleoside phosphorylase deficiency. Identifiers: Orphanet 760, MedGen C0268125, MONDO:0013171, OMIM 613179.

Allele frequency attached by ClinVar (database versions not stated): gnomAD exomes 0.00001.
gnomAD v4.1: 4 of 1,614,146 alleles (0.00025%); highest among the groups gnomAD compares: Non-Finnish European, 0.00034%; no homozygotes.

Submission:

Labcorp Genetics (formerly Invitae), Labcorp
Classification: Uncertain significance for Purine-nucleoside phosphorylase deficiency. Last evaluated: 2022-10-13. Review status: criteria provided, single submitter. Criteria: Invitae Variant Classification Sherloc (09022015). Collection method: clinical testing. Allele origin: germline.
Comment: This sequence change replaces phenylalanine, which is neutral and non-polar, with leucine, which is neutral and non-polar, at codon 85 of the PNP protein (p.Phe85Leu). This variant is present in population databases (no rsID available, gnomAD 0.002%). This variant has not been reported in the literature in individuals affected with PNP-related conditions. ClinVar contains an entry for this variant (Variation ID: 1360782). Advanced modeling of protein sequence and biophysical properties (such as structural, functional, and spatial information, amino acid conservation, physicochemical variation, residue mobility, and thermodynamic stability) performed at Invitae indicates that this missense variant is not expected to disrupt PNP protein function. In summary, the available evidence is currently insufficient to determine the role of this variant in disease. Therefore, it has been classified as a Variant of Uncertain Significance.

NM_000270.4(PNP):c.253T>C (p.Phe85Leu)

Gene: PNP (purine nucleoside phosphorylase; plus strand). Cytogenetic location: 14q11.2.
Variant type: single nucleotide variant.
Coding change: c.253T>C on transcript NM_000270.4 (MANE Select); coding-DNA position 253, T replaced by C.
Protein change: p.Phe85Leu; replaces phenylalanine 85 with leucine.
Molecular consequence: missense variant.
Genome position (GRCh38, 1-based): chr14:20,474,543, T>C. VCF-style: chr14-20474543-T-C. GRCh37 (hg19) VCF-style: chr14-20942702-T-C.
Other names: short protein forms F85L.
Identifiers: ClinVar variation 1360782 (VCV001360782.8), dbSNP rs1425542610, ClinGen allele CA389144984.